The following is an entry in ClinVar:

NM_001379270.1(CNGA1):c.1564G>A (p.Val522Met)

Genes: CNGA1 (cyclic nucleotide gated channel subunit alpha 1; minus strand), LOC101927157 (uncharacterized LOC101927157; plus strand). Cytogenetic location: 4p12.
Variant type: single nucleotide variant.
Coding change: c.1564G>A on transcript NM_001379270.1 (MANE Select); coding-DNA position 1564, G replaced by A.
Protein change: p.Val522Met; replaces valine 522 with methionine.
Molecular consequence: missense variant.
Genome position (GRCh38, 1-based): chr4:47,936,918, C>T on the plus strand (G>A on the coding strand, the complement: CNGA1 is on the minus strand). VCF-style: chr4-47936918-C-T. GRCh37 (hg19) VCF-style: chr4-47938935-C-T.
Other names: c.1564G>A, p.Val522Met (NM_000087.5, NM_001142564.2); short protein forms V522M.
Identifiers: ClinVar variation 858874 (VCV000858874.11), dbSNP rs577544200, ClinGen allele CA2911053.

ClinVar aggregate classification (germline): Uncertain significance. Review status: criteria provided, multiple submitters, no conflicts (2 of 4 stars). 4 submissions from 4 submitters: Uncertain significance (4). Last evaluated 2025-09-03.

Conditions:
CNGA1-related disorder. Also called: CNGA1-related condition.
Inborn genetic diseases. Identifiers: MedGen C0950123, MeSH D030342.

Allele frequency attached by ClinVar (database versions not stated): gnomAD 0.00001 and 0.00002; ExAC 0.00002; gnomAD exomes 0.00003; TOPMed 0.00003; 1000 Genomes Project 30x 0.00031; 1000 Genomes Project 0.00040.
gnomAD v4.1: 12 of 1,614,126 alleles (0.00074%); highest among the groups gnomAD compares: African/African-American, 0.013%; 1 homozygote.

Submissions (4):

PreventionGenetics, part of Exact Sciences
Classification: Uncertain significance for CNGA1-related condition. Last evaluated: 2025-09-03. Review status: criteria provided, single submitter. Criteria: ACMG Guidelines, 2015. Collection method: clinical testing. Allele origin: germline.
Comment: The CNGA1 c.1576G>A variant is predicted to result in the amino acid substitution p.Val526Met. To our knowledge, this variant has not been reported in the literature. This variant is present in 0.029% of alleles in individuals of African descent in gnomAD. At this time, the clinical significance of this variant is uncertain due to the absence of conclusive functional and genetic evidence.

Ambry Genetics
Classification: Uncertain significance for Inborn genetic diseases. Last evaluated: 2025-05-16. Review status: criteria provided, single submitter. Criteria: Ambry Variant Classification Scheme 2023. Collection method: clinical testing. Allele origin: germline.

Labcorp Genetics (formerly Invitae), Labcorp
Classification: Uncertain significance. Last evaluated: 2024-11-11. Review status: criteria provided, single submitter. Criteria: Invitae Variant Classification Sherloc (09022015). Collection method: clinical testing. Allele origin: germline.
Comment: This sequence change replaces valine, which is neutral and non-polar, with methionine, which is neutral and non-polar, at codon 526 of the CNGA1 protein (p.Val526Met). This variant is present in population databases (rs577544200, gnomAD 0.02%), including at least one homozygous and/or hemizygous individual. This variant has not been reported in the literature in individuals affected with CNGA1-related conditions. ClinVar contains an entry for this variant (Variation ID: 858874). Invitae Evidence Modeling of protein sequence and biophysical properties (such as structural, functional, and spatial information, amino acid conservation, physicochemical variation, residue mobility, and thermodynamic stability) indicates that this missense variant is expected to disrupt CNGA1 protein function with a positive predictive value of 80%. In summary, the available evidence is currently insufficient to determine the role of this variant in disease. Therefore, it has been classified as a Variant of Uncertain Significance.

Blueprint Genetics
Classification: Uncertain significance. Last evaluated: 2021-09-01. Review status: criteria provided, single submitter. Criteria: ACMG Guidelines, 2015. Collection method: clinical testing. Allele origin: germline.